The following is an entry in ClinVar:

ClinVar aggregate classification (germline): Likely benign. Review status: criteria provided, multiple submitters, no conflicts (2 of 4 stars). 2 submissions from 2 submitters: Likely benign (2). Last evaluated 2023-08-11.

Conditions:
Congenital hyperammonemia, type I. Also called: Carbamoyl phosphate synthetase 1 deficiency; Hyperammonemia due to carbamoyl phosphate synthetase 1 deficiency; CPS 1 deficiency; Carbamyl phosphate synthetase (CPS) deficiency; Carbamoyl-phosphate synthase I deficiency; Carbamoyl phosphate synthetase I deficiency disease. Identifiers: Orphanet 147, MedGen C4082171, MONDO:0009376, OMIM 237300.

Allele frequency attached by ClinVar (database versions not stated): TOPMed below 0.00001; gnomAD 0.00001; gnomAD exomes 0.00001 and 0.00002; ExAC 0.00004.
gnomAD v4.1: 18 of 1,612,006 alleles (0.0011%); highest among the groups gnomAD compares: Middle Eastern, 0.049%; no homozygotes.

Submissions (2):

Labcorp Genetics (formerly Invitae), Labcorp
Classification: Likely benign for Congenital hyperammonemia, type I. Last evaluated: 2023-08-11. Review status: criteria provided, single submitter. Criteria: Invitae Variant Classification Sherloc (09022015). Collection method: clinical testing. Allele origin: germline.

CeGaT Center for Human Genetics Tuebingen
Classification: Likely benign. Last evaluated: 2022-10-01. Review status: criteria provided, single submitter. Criteria: CeGaT Center For Human Genetics Tuebingen Variant Classification Criteria Version 2. Collection method: clinical testing. Allele origin: germline. Affected: yes. Observed: 1 variant allele.
Comment: CPS1: BP4, BP7

NM_001875.5(CPS1):c.2205A>G (p.Ala735=)

Gene: CPS1 (carbamoyl-phosphate synthase 1; plus strand). Cytogenetic location: 2q34.
Variant type: single nucleotide variant.
Coding change: c.2205A>G on transcript NM_001875.5 (MANE Select); coding-DNA position 2205, A replaced by G.
Protein change: p.Ala735=; no amino-acid change (alanine 735 retained).
Molecular consequence: synonymous variant. On other transcripts: non-coding transcript variant (2).
Genome position (GRCh38, 1-based): chr2:210,608,373, A>G. VCF-style: chr2-210608373-A-G. GRCh37 (hg19) VCF-style: chr2-211473097-A-G.
Other names: c.2205A>G, p.Ala735= (NM_001122633.3, NM_001369257.1); c.2238A>G, p.Ala746= (NM_001369256.1).
Identifiers: ClinVar variation 1131211 (VCV001131211.32), dbSNP rs749436827, ClinGen allele CA2086587.